The following is an entry in ClinVar:

NM_003242.6(TGFBR2):c.1525-15_1576dup

Gene: TGFBR2 (transforming growth factor beta receptor 2; plus strand). Cytogenetic location: 3p24.1.
Variant type: Duplication.
Coding change: c.1525-15_1576dup on transcript NM_003242.6 (MANE Select); 15 bases into the intron before coding-DNA position 1525 through coding-DNA position 1576, 67 bases duplicated.
Molecular consequence: splice acceptor variant.
Genome position (GRCh38, 1-based): chr3:30,691,405-30,691,471, 67 bases duplicated. GRCh37 (hg19): chr3:30,732,897-30,732,963.
Other names: c.1528-15_1579dup (NM_001407129.1); c.1420-15_1471dup (NM_001407132.1, NM_001407136.1, NM_001407133.1 and 2 more transcripts); c.1708-15_1759dup (NM_001407126.1); c.1600-15_1651dup (NM_001024847.3); c.655-15_706dup (NM_001407139.1); c.1240-15_1291dup (NM_001407137.1); c.1633-15_1684dup (NM_001407127.1); c.1522-15_1573dup (NM_001407130.1); and 2 more.
Identifiers: ClinVar variation 2573501 (VCV002573501.1), dbSNP rs2470602845, ClinGen allele CA2580614159.

ClinVar aggregate classification (germline): Uncertain significance (1 of 4 stars; one submission).

Submission:

Women's Health and Genetics/Laboratory Corporation of America, LabCorp
Classification: Uncertain significance. Last evaluated: 2023-06-05. Review status: criteria provided, single submitter. Criteria: LabCorp Variant Classification Summary - May 2015. Collection method: clinical testing. Allele origin: germline.
Comment: Variant summary: TGFBR2 c.1525-15_1576dup67 results in the duplication of 67 amino acids at the last intron-exon boundary of the encoded protein sequence and includes the canonical 3' donor site of the last intron. 4/4 computational tools predict no significant impact on normal splicing. However, these predictions have yet to be confirmed by functional studies. The variant was absent in 249512 control chromosomes (gnomAD). The available data on variant occurrences in the general population are insufficient to allow any conclusion about variant significance. To our knowledge, no occurrence of c.1525-15_1576dup67 in individuals affected with Loeys-Dietz Syndrome or other TGFBR2-related disorders and no experimental evidence demonstrating its impact on protein function have been reported. No clinical diagnostic laboratories have submitted clinical-significance assessments for this variant to ClinVar after 2014. Based on the evidence outlined above, the variant was classified as uncertain significance.